The following is an entry in ClinVar:

NM_014915.3(ANKRD26):c.4489G>A (p.Val1497Ile)

Gene: ANKRD26 (ankyrin repeat domain containing 26; minus strand). Cytogenetic location: 10p12.1.
Variant type: single nucleotide variant.
Coding change: c.4489G>A on transcript NM_014915.3 (MANE Select); coding-DNA position 4489, G replaced by A.
Protein change: p.Val1497Ile; replaces valine 1497 with isoleucine.
Molecular consequence: missense variant.
Genome position (GRCh38, 1-based): chr10:27,017,519, C>T on the plus strand (G>A on the coding strand, the complement: ANKRD26 is on the minus strand). VCF-style: chr10-27017519-C-T. GRCh37 (hg19) VCF-style: chr10-27306448-C-T.
Other names: c.4486G>A, p.Val1496Ile (NM_001256053.2); short protein forms V1497I, V1496I.
Identifiers: ClinVar variation 4104762 (VCV004104762.1).

ClinVar aggregate classification (germline): Uncertain significance (1 of 4 stars; one submission).

Conditions:
Inborn genetic diseases. Identifiers: MedGen C0950123, MeSH D030342.

Submission:

Ambry Genetics
Classification: Uncertain significance for Inborn genetic diseases. Last evaluated: 2025-09-10. Review status: criteria provided, single submitter. Criteria: Ambry Variant Classification Scheme 2023. Collection method: clinical testing. Allele origin: germline.
Comment: The p.V1497I variant (also known as c.4489G>A), located in coding exon 30 of the ANKRD26 gene, results from a G to A substitution at nucleotide position 4489. The valine at codon 1497 is replaced by isoleucine, an amino acid with highly similar properties. This amino acid position is conserved. In addition, this alteration is predicted to be tolerated by in silico analysis. Based on the available evidence, the clinical significance of this variant remains unclear.